The following is an entry in ClinVar:

ClinVar aggregate classification (germline): Uncertain significance. Review status: criteria provided, multiple submitters, no conflicts (2 of 4 stars). 2 submissions from 2 submitters: Uncertain significance (2). Last evaluated 2022-11-16.

Conditions:
Joubert syndrome. Also called: Familial aplasia of the vermis; JOUBERT-BOLTSHAUSER SYNDROME. Identifiers: Orphanet 475, MedGen C5979921, MONDO:0018772.

Allele frequency attached by ClinVar (database versions not stated): gnomAD exomes below 0.00001.
gnomAD v4.1: 3 of 1,591,186 alleles (0.00019%); highest among the groups gnomAD compares: African/African-American, 0.0013%; no homozygotes.

Submissions (2):

Blueprint Genetics
Classification: Uncertain significance. Last evaluated: 2022-11-16. Review status: criteria provided, single submitter. Criteria: ACMG Guidelines, 2015. Collection method: clinical testing. Allele origin: germline.

Labcorp Genetics (formerly Invitae), Labcorp
Classification: Uncertain significance for Joubert syndrome. Last evaluated: 2022-08-21. Review status: criteria provided, single submitter. Criteria: Invitae Variant Classification Sherloc (09022015). Collection method: clinical testing. Allele origin: germline.
Comment: In summary, the available evidence is currently insufficient to determine the role of this variant in disease. Therefore, it has been classified as a Variant of Uncertain Significance. Advanced modeling of protein sequence and biophysical properties (such as structural, functional, and spatial information, amino acid conservation, physicochemical variation, residue mobility, and thermodynamic stability) performed at Invitae indicates that this missense variant is expected to disrupt AHI1 protein function. This variant has not been reported in the literature in individuals affected with AHI1-related conditions. This variant is not present in population databases (gnomAD no frequency). This sequence change replaces proline, which is neutral and non-polar, with leucine, which is neutral and non-polar, at codon 501 of the AHI1 protein (p.Pro501Leu).

NM_001134831.2(AHI1):c.1502C>T (p.Pro501Leu)

Gene: AHI1 (Abelson helper integration site 1; minus strand). Cytogenetic location: 6q23.3.
Variant type: single nucleotide variant.
Coding change: c.1502C>T on transcript NM_001134831.2 (MANE Select); coding-DNA position 1502, C replaced by T.
Protein change: p.Pro501Leu; replaces proline 501 with leucine.
Molecular consequence: missense variant.
Genome position (GRCh38, 1-based): chr6:135,448,414, G>A on the plus strand (C>T on the coding strand, the complement: AHI1 is on the minus strand). VCF-style: chr6-135448414-G-A. GRCh37 (hg19) VCF-style: chr6-135769552-G-A.
Other names: c.1502C>T, p.Pro501Leu (NM_001134830.2, NM_001134832.2, NM_001350503.2 and 2 more transcripts); short protein forms P501L.
Identifiers: ClinVar variation 2186939 (VCV002186939.4), dbSNP rs2128059104, ClinGen allele CA365745477.